The following is an entry in ClinVar:

ClinVar aggregate classification (germline): Uncertain significance. Review status: criteria provided, multiple submitters, no conflicts (2 of 4 stars). 2 submissions from 2 submitters: Uncertain significance (2). Last evaluated 2022-08-21.

Conditions:
Severe combined immunodeficiency due to DNA-PKcs deficiency. Also called: IMMUNODEFICIENCY 26 WITH NEUROLOGIC ABNORMALITIES; Immunodeficiency 26 with or without neurologic abnormalities. Identifiers: Orphanet 317425, MedGen C4014833, MONDO:0014423, OMIM 615966.

Allele frequency attached by ClinVar (database versions not stated): ESP Exome Variant Server 0.00008; TOPMed 0.00009; gnomAD exomes 0.00011 and 0.00029; gnomAD 0.00012 and 0.00013; ExAC 0.00022; 1000 Genomes Project 0.00040; 1000 Genomes Project 30x 0.00047.
gnomAD v4.1: 190 of 1,613,720 alleles (0.012%); highest among the groups gnomAD compares: East Asian, 0.14%; no homozygotes.

Submissions (2):

Labcorp Genetics (formerly Invitae), Labcorp
Classification: Uncertain significance for Severe combined immunodeficiency due to DNA-PKcs deficiency. Last evaluated: 2022-08-21. Review status: criteria provided, single submitter. Criteria: Invitae Variant Classification Sherloc (09022015). Collection method: clinical testing. Allele origin: germline.
Comment: This sequence change replaces glycine, which is neutral and non-polar, with serine, which is neutral and polar, at codon 2109 of the PRKDC protein (p.Gly2109Ser). This variant is present in population databases (rs199908344, gnomAD 0.1%). This variant has not been reported in the literature in individuals affected with PRKDC-related conditions. ClinVar contains an entry for this variant (Variation ID: 568208). Algorithms developed to predict the effect of missense changes on protein structure and function output the following: SIFT: "Not Available"; PolyPhen-2: "Not Available"; Align-GVGD: "Not Available". The serine amino acid residue is found in multiple mammalian species, which suggests that this missense change does not adversely affect protein function. In summary, the available evidence is currently insufficient to determine the role of this variant in disease. Therefore, it has been classified as a Variant of Uncertain Significance.

Breakthrough Genomics
Classification: Uncertain significance. Review status: criteria provided, single submitter. Criteria: ACMG Guidelines, 2015. Collection method: not provided. Allele origin: germline. Inheritance: Autosomal recessive inheritance. Affected: yes.

NM_006904.7(PRKDC):c.6325G>A (p.Gly2109Ser)

Gene: PRKDC (protein kinase, DNA-activated, catalytic subunit; minus strand). Cytogenetic location: 8q11.21.
Variant type: single nucleotide variant.
Coding change: c.6325G>A on transcript NM_006904.7 (MANE Select); coding-DNA position 6325, G replaced by A.
Protein change: p.Gly2109Ser; replaces glycine 2109 with serine.
Molecular consequence: missense variant.
Genome position (GRCh38, 1-based): chr8:47,858,869, C>T on the plus strand (G>A on the coding strand, the complement: PRKDC is on the minus strand). VCF-style: chr8-47858869-C-T. GRCh37 (hg19) VCF-style: chr8-48771430-C-T.
Other names: c.6325G>A, p.Gly2109Ser (NM_001081640.2); short protein forms G2109S.
Identifiers: ClinVar variation 568208 (VCV000568208.7), dbSNP rs199908344, ClinGen allele CA4740390.